The following is an entry in ClinVar:

ClinVar aggregate classification (germline): Uncertain significance (1 of 4 stars; one submission).

Conditions:
Autosomal recessive limb-girdle muscular dystrophy type 2D (LGMDR3). Also called: DUCHENNE-LIKE AUTOSOMAL RECESSIVE MUSCULAR DYSTROPHY, TYPE 2; MUSCULAR DYSTROPHY, LIMB-GIRDLE, AUTOSOMAL RECESSIVE 3; ADHALINOPATHY, PRIMARY. Identifiers: Orphanet 62, MedGen C2936332, MONDO:0011968, OMIM 608099. Disease mechanism: Affects gamma-sarcoglycan and also disrupts the integrity of the entire sarcoglycan complex..

Submission:

Labcorp Genetics (formerly Invitae), Labcorp
Classification: Uncertain significance for Autosomal recessive limb-girdle muscular dystrophy type 2D. Last evaluated: 2025-03-10. Review status: criteria provided, single submitter. Criteria: Invitae Variant Classification Sherloc (09022015). Collection method: clinical testing. Allele origin: germline.
Comment: This sequence change replaces valine, which is neutral and non-polar, with methionine, which is neutral and non-polar, at codon 375 of the SGCA protein (p.Val375Met). This variant is present in population databases (no rsID available, gnomAD 0.004%). This variant has not been reported in the literature in individuals affected with SGCA-related conditions. Invitae Evidence Modeling of protein sequence and biophysical properties (such as structural, functional, and spatial information, amino acid conservation, physicochemical variation, residue mobility, and thermodynamic stability) has been performed for this missense variant. However, the output from this modeling did not meet the statistical confidence thresholds required to predict the impact of this variant on SGCA protein function. In summary, the available evidence is currently insufficient to determine the role of this variant in disease. Therefore, it has been classified as a Variant of Uncertain Significance.

NM_000023.4(SGCA):c.1123G>A (p.Val375Met)

Gene: SGCA (sarcoglycan alpha; plus strand). Cytogenetic location: 17q21.33.
Variant type: single nucleotide variant.
Coding change: c.1123G>A on transcript NM_000023.4 (MANE Select); coding-DNA position 1123, G replaced by A.
Protein change: p.Val375Met; replaces valine 375 with methionine.
Molecular consequence: missense variant. On other transcripts: non-coding transcript variant (1).
Genome position (GRCh38, 1-based): chr17:50,175,396, G>A. VCF-style: chr17-50175396-G-A. GRCh37 (hg19) VCF-style: chr17-48252757-G-A.
Other names: c.751G>A, p.Val251Met (NM_001135697.3); short protein forms V251M, V375M.
Identifiers: ClinVar variation 4798056 (VCV004798056.1).